The following is an entry in ClinVar:

NM_000240.4(MAOA):c.885T>G (p.Ile295Met)

Gene: MAOA (monoamine oxidase A; plus strand). Cytogenetic location: Xp11.3.
Variant type: single nucleotide variant.
Coding change: c.885T>G on transcript NM_000240.4 (MANE Select); coding-DNA position 885, T replaced by G.
Protein change: p.Ile295Met; replaces isoleucine 295 with methionine.
Molecular consequence: missense variant.
Genome position (GRCh38, 1-based): chrX:43,731,783, T>G. VCF-style: chrX-43731783-T-G. GRCh37 (hg19) VCF-style: chrX-43591030-T-G.
Other names: c.486T>G, p.Ile162Met (NM_001270458.2); short protein forms I162M, I295M.
Identifiers: ClinVar variation 3896595 (VCV003896595.2).

ClinVar aggregate classification (germline): Uncertain significance (1 of 4 stars; one submission).

Submission:

Women's Health and Genetics/Laboratory Corporation of America, LabCorp
Classification: Uncertain significance. Last evaluated: 2025-04-28. Review status: criteria provided, single submitter. Criteria: LabCorp Variant Classification Summary - May 2015. Collection method: clinical testing. Allele origin: germline.
Comment: Variant summary: MAOA c.885T>G (p.Ile295Met) results in a conservative amino acid change in the encoded protein sequence. Three of five in-silico tools predict a damaging effect of the variant on protein function. The variant was absent in 183152 control chromosomes. The available data on variant occurrences in the general population are insufficient to allow any conclusion about variant significance. To our knowledge, no occurrence of c.885T>G in individuals affected with Brunner Syndrome and no experimental evidence demonstrating its impact on protein function have been reported. No submitters have cited clinical-significance assessments for this variant to ClinVar. Based on the evidence outlined above, the variant was classified as uncertain significance.